The following is an entry in ClinVar:

NM_000059.4(BRCA2):c.2107A>G (p.Thr703Ala)

Gene: BRCA2 (BRCA2 DNA repair associated; plus strand). Cytogenetic location: 13q13.1.
Variant type: single nucleotide variant.
Coding change: c.2107A>G on transcript NM_000059.4 (MANE Select); coding-DNA position 2107, A replaced by G.
Protein change: p.Thr703Ala; replaces threonine 703 with alanine.
Molecular consequence: missense variant.
Genome position (GRCh38, 1-based): chr13:32,336,462, A>G. VCF-style: chr13-32336462-A-G. GRCh37 (hg19) VCF-style: chr13-32910599-A-G.
Other names: short protein forms T703A.
Identifiers: ClinVar variation 836747 (VCV000836747.10), dbSNP rs2072450524, ClinGen allele CA387769947.

ClinVar aggregate classification (germline): Conflicting classifications of pathogenicity. Review status: criteria provided, conflicting classifications (1 of 4 stars). 3 submissions from 3 submitters: Uncertain significance (2); Likely benign (1). Last evaluated 2023-03-23.

Conditions:
Hereditary breast ovarian cancer syndrome. Also called: Hereditary breast and ovarian cancer syndrome; Breast and ovarian cancer; BRCA1- and BRCA2-Associated Hereditary Breast and Ovarian Cancer; Hereditary breast and ovarian cancer; Hereditary breast and/or ovarian cancer syndrome; Hereditary breast and ovarian cancer syndrome (HBOC). Identifiers: Orphanet 145, MedGen C0677776, MeSH D061325, MONDO:0003582. Disease mechanism: loss of function.
Hereditary cancer-predisposing syndrome. Also called: Hereditary neoplastic syndrome; Neoplastic Syndromes, Hereditary; Tumor predisposition; Hereditary Cancer Syndrome. Identifiers: Orphanet 140162, MedGen C0027672, MeSH D009386, MONDO:0015356.

Submissions (3):

University of Washington Department of Laboratory Medicine, University of Washington
Classification: Likely benign for Hereditary cancer-predisposing syndrome. Last evaluated: 2023-03-23. Review status: criteria provided, single submitter. Criteria: Dines et al. (Genet Med. 2020). Collection method: curation. Allele origin: germline.
Comment: Missense variant in a coldspot region where missense variants are very unlikely to be pathogenic (PMID:31911673).

BRCA2 exon 11 coldspot. Reclassification based on statistical prior probability.

GeneDx
Classification: Uncertain significance. Last evaluated: 2022-10-24. Review status: criteria provided, single submitter. Criteria: GeneDx Variant Classification Process June 2021. Collection method: clinical testing. Allele origin: germline. Affected: yes.
Comment: Not observed at significant frequency in large population cohorts (gnomAD); In silico analysis supports that this missense variant does not alter protein structure/function; Has not been previously published as pathogenic or benign to our knowledge; Also known as 2335A>G

Labcorp Genetics (formerly Invitae), Labcorp
Classification: Uncertain significance for Hereditary breast ovarian cancer syndrome. Last evaluated: 2021-10-25. Review status: criteria provided, single submitter. Criteria: Invitae Variant Classification Sherloc (09022015). Collection method: clinical testing. Allele origin: germline.
Comment: In summary, the available evidence is currently insufficient to determine the role of this variant in disease. Therefore, it has been classified as a Variant of Uncertain Significance. Algorithms developed to predict the effect of missense changes on protein structure and function output the following: SIFT: "Tolerated"; PolyPhen-2: "Benign"; Align-GVGD: "Class C0". The alanine amino acid residue is found in multiple mammalian species, which suggests that this missense change does not adversely affect protein function. This variant has not been reported in the literature in individuals affected with BRCA2-related conditions. This variant is not present in population databases (ExAC no frequency). This sequence change replaces threonine with alanine at codon 703 of the BRCA2 protein (p.Thr703Ala). The threonine residue is moderately conserved and there is a small physicochemical difference between threonine and alanine.